The following is an entry in ClinVar:

NM_002907.4(RECQL):c.587A>G (p.Lys196Arg)

Gene: RECQL (RecQ like helicase; minus strand). Cytogenetic location: 12p12.1.
Variant type: single nucleotide variant.
Coding change: c.587A>G on transcript NM_002907.4 (MANE Select); coding-DNA position 587, A replaced by G.
Protein change: p.Lys196Arg; replaces lysine 196 with arginine.
Molecular consequence: missense variant.
Genome position (GRCh38, 1-based): chr12:21,483,489, T>C on the plus strand (A>G on the coding strand, the complement: RECQL is on the minus strand). VCF-style: chr12-21483489-T-C. GRCh37 (hg19) VCF-style: chr12-21636423-T-C.
Other names: c.587A>G, p.Lys196Arg (NM_032941.3); short protein forms K196R.
Identifiers: ClinVar variation 1750239 (VCV001750239.5), dbSNP rs113872147, ClinGen allele CA233574499.

ClinVar aggregate classification (germline): Uncertain significance. Review status: criteria provided, multiple submitters, no conflicts (2 of 4 stars). 2 submissions from 2 submitters: Uncertain significance (2). Last evaluated 2025-03-22.

Allele frequency attached by ClinVar (database versions not stated): gnomAD exomes below 0.00001.
gnomAD v4.1: 2 of 1,587,564 alleles (0.00013%); highest among the groups gnomAD compares: Non-Finnish European, 0.00017%; no homozygotes.

Submissions (2):

Ambry Genetics
Classification: Uncertain significance. Last evaluated: 2025-03-22. Review status: criteria provided, single submitter. Criteria: Ambry Variant Classification Scheme 2023. Collection method: clinical testing. Allele origin: germline.
Comment: The p.K196R variant (also known as c.587A>G), located in coding exon 5 of the RECQL gene, results from an A to G substitution at nucleotide position 587. The lysine at codon 196 is replaced by arginine, an amino acid with highly similar properties. This amino acid position is conserved. In addition, the in silico prediction for this alteration is inconclusive. Since supporting evidence is limited at this time, the clinical significance of this alteration remains unclear.

Labcorp Genetics (formerly Invitae), Labcorp
Classification: Uncertain significance. Last evaluated: 2024-09-06. Review status: criteria provided, single submitter. Criteria: Invitae Variant Classification Sherloc (09022015). Collection method: clinical testing. Allele origin: germline.
Comment: This sequence change replaces lysine, which is basic and polar, with arginine, which is basic and polar, at codon 196 of the RECQL protein (p.Lys196Arg). This variant is present in population databases (rs113872147, gnomAD 0.001%). This variant has not been reported in the literature in individuals affected with RECQL-related conditions. ClinVar contains an entry for this variant (Variation ID: 1750239). Invitae Evidence Modeling of protein sequence and biophysical properties (such as structural, functional, and spatial information, amino acid conservation, physicochemical variation, residue mobility, and thermodynamic stability) indicates that this missense variant is not expected to disrupt RECQL protein function with a negative predictive value of 80%. In summary, the available evidence is currently insufficient to determine the role of this variant in disease. Therefore, it has been classified as a Variant of Uncertain Significance.